The following is an entry in ClinVar:

NM_130468.4(CHST14):c.183G>C (p.Glu61Asp)

Gene: CHST14 (carbohydrate sulfotransferase 14; plus strand). Cytogenetic location: 15q15.1.
Variant type: single nucleotide variant.
Coding change: c.183G>C on transcript NM_130468.4 (MANE Select); coding-DNA position 183, G replaced by C.
Protein change: p.Glu61Asp; replaces glutamic acid 61 with aspartic acid.
Molecular consequence: missense variant.
Genome position (GRCh38, 1-based): chr15:40,471,396, G>C. VCF-style: chr15-40471396-G-C. GRCh37 (hg19) VCF-style: chr15-40763595-G-C.
Other names: short protein forms E61D.
Identifiers: ClinVar variation 1781138 (VCV001781138.2), dbSNP rs1595869218, ClinGen allele CA391764140.

ClinVar aggregate classification (germline): Uncertain significance (1 of 4 stars; one submission).

Conditions:
Cardiovascular phenotype. Identifiers: MedGen CN230736.

Allele frequency attached by ClinVar (database versions not stated): gnomAD exomes below 0.00001.
gnomAD v4.1: 1 of 1,557,480 alleles (0.000064%); highest among the groups gnomAD compares: Non-Finnish European, 0.000087%; no homozygotes.

Submission:

Ambry Genetics
Classification: Uncertain significance for Cardiovascular phenotype. Last evaluated: 2022-05-24. Review status: criteria provided, single submitter. Criteria: Ambry Variant Classification Scheme 2023. Collection method: clinical testing. Allele origin: germline.
Comment: The p.E61D variant (also known as c.183G>C), located in coding exon 1 of the CHST14 gene, results from a G to C substitution at nucleotide position 183. The glutamic acid at codon 61 is replaced by aspartic acid, an amino acid with highly similar properties. This amino acid position is conserved. In addition, the in silico prediction for this alteration is inconclusive. Since supporting evidence is limited at this time, the clinical significance of this alteration remains unclear.